The following is an entry in ClinVar:

NM_198060.4(NRAP):c.174C>T (p.Asn58=)

Gene: NRAP (nebulin related anchoring protein; minus strand). Cytogenetic location: 10q25.3.
Variant type: single nucleotide variant.
Coding change: c.174C>T on transcript NM_198060.4 (MANE Select); coding-DNA position 174, C replaced by T.
Protein change: p.Asn58=; no amino-acid change (asparagine 58 retained).
Molecular consequence: synonymous variant.
Genome position (GRCh38, 1-based): chr10:113,662,760, G>A on the plus strand (C>T on the coding strand, the complement: NRAP is on the minus strand). VCF-style: chr10-113662760-G-A. GRCh37 (hg19) VCF-style: chr10-115422519-G-A.
Other names: c.174C>T, p.Asn58= (NM_001261463.2, NM_001322945.2, NM_006175.5); c.174C>T (NM_198060.3).
Identifiers: ClinVar variation 716311 (VCV000716311.9), dbSNP rs78159056, ClinGen allele CA5696020.
Genomic context (GRCh38, chr10:113,662,760, plus strand): 5'-TGTCCTCACATTTAGATTTAATGGAGTGTGATAGACACTGGTGAAAGTGTTGTTCTTAGG[G>A]TTATGGCTACAACAAATAGGTATAAATCAAAATTAGAAATGTACTTTATCCAAATGATTG-3'
Protein context (NP_932326.2, residues 48-68): HQKKPYCHAH[Asn58=]PKNNTFTSVY

ClinVar aggregate classification (germline): Benign/Likely benign. Review status: criteria provided, multiple submitters, no conflicts (2 of 4 stars). 5 submissions from 5 submitters: Benign (3); Likely benign (1). 1 of the submissions does not count toward it. Last evaluated 2025-04-09.

Conditions:
NRAP-related disorder. Also called: NRAP-related condition.

Allele frequency attached by ClinVar (database versions not stated): gnomAD exomes 0.00111; ExAC 0.00137; 1000 Genomes Project 0.00359; 1000 Genomes Project 30x 0.00359; ESP Exome Variant Server 0.00408; gnomAD 0.00427 and 0.00460; TOPMed 0.00477.
gnomAD v4.1: 1,205 of 1,566,600 alleles (0.077%); highest among the groups gnomAD compares: African/African-American, 1.5%; 4 homozygotes.

Submissions (5):

Molecular Diagnostic Laboratory for Inherited Cardiovascular Disease, Montreal Heart Institute
Classification: Benign. Last evaluated: 2025-04-09. Review status: criteria provided, single submitter. Criteria: ACMG Guidelines, 2015. Collection method: clinical testing. Allele origin: germline. Affected: no.

Blueprint Genetics
Classification: Likely benign. Last evaluated: 2024-11-05. Review status: criteria provided, single submitter. Criteria: ACMG Guidelines, 2015. Collection method: clinical testing. Allele origin: germline.

Labcorp Genetics (formerly Invitae), Labcorp
Classification: Benign. Last evaluated: 2019-12-31. Review status: criteria provided, single submitter. Criteria: Invitae Variant Classification Sherloc (09022015). Collection method: clinical testing. Allele origin: germline.

Breakthrough Genomics
Classification: Benign. Review status: criteria provided, single submitter. Criteria: ACMG Guidelines, 2015. Collection method: not provided. Allele origin: germline. Inheritance: Unknown mechanism. Affected: yes.

PreventionGenetics, part of Exact Sciences
Classification: Benign for NRAP-related condition. Last evaluated: 2019-05-21. Review status: no assertion criteria provided. Collection method: clinical testing. Allele origin: germline. Not counted in ClinVar's aggregate classification.
Comment: This variant is classified as benign based on ACMG/AMP sequence variant interpretation guidelines (Richards et al. 2015 PMID: 25741868, with internal and published modifications).